The following is an entry in ClinVar:

ClinVar aggregate classification (germline): Uncertain significance (1 of 4 stars; one submission).

Allele frequency attached by ClinVar (database versions not stated): gnomAD 0.00001; ExAC 0.00002; TOPMed 0.00004; ESP Exome Variant Server 0.00008.
gnomAD v4.1: 54 of 1,614,144 alleles (0.0033%); highest among the groups gnomAD compares: Middle Eastern, 0.049%; no homozygotes.

Submission:

Labcorp Genetics (formerly Invitae), Labcorp
Classification: Uncertain significance. Last evaluated: 2024-09-17. Review status: criteria provided, single submitter. Criteria: Invitae Variant Classification Sherloc (09022015). Collection method: clinical testing. Allele origin: germline.
Comment: This sequence change replaces serine, which is neutral and polar, with threonine, which is neutral and polar, at codon 382 of the EFL1 protein (p.Ser382Thr). This variant is present in population databases (rs369754106, gnomAD 0.006%). This variant has not been reported in the literature in individuals affected with EFL1-related conditions. ClinVar contains an entry for this variant (Variation ID: 1901415). Invitae Evidence Modeling of protein sequence and biophysical properties (such as structural, functional, and spatial information, amino acid conservation, physicochemical variation, residue mobility, and thermodynamic stability) indicates that this missense variant is not expected to disrupt EFL1 protein function with a negative predictive value of 80%. In summary, the available evidence is currently insufficient to determine the role of this variant in disease. Therefore, it has been classified as a Variant of Uncertain Significance.

NM_024580.6(EFL1):c.1144T>A (p.Ser382Thr)

Gene: EFL1 (elongation factor like GTPase 1; minus strand). Cytogenetic location: 15q25.2.
Variant type: single nucleotide variant.
Coding change: c.1144T>A on transcript NM_024580.6 (MANE Select); coding-DNA position 1144, T replaced by A.
Protein change: p.Ser382Thr; replaces serine 382 with threonine.
Molecular consequence: missense variant. On other transcripts: non-coding transcript variant (1).
Genome position (GRCh38, 1-based): chr15:82,227,498, A>T on the plus strand (T>A on the coding strand, the complement: EFL1 is on the minus strand). VCF-style: chr15-82227498-A-T. GRCh37 (hg19) VCF-style: chr15-82519839-A-T.
Other names: c.991T>A, p.Ser331Thr (NM_001040610.3); c.355T>A, p.Ser119Thr (NM_001322844.2); c.1144T>A, p.Ser382Thr (NM_001322845.2); short protein forms S382T, S331T, S119T.
Identifiers: ClinVar variation 1901415 (VCV001901415.3), dbSNP rs369754106, ClinGen allele CA7698086.
Genomic context (GRCh38, chr15:82,227,498, plus strand): 5'-ATCTTTCCTCACCTGCTTTCAGTGCTTGAGTTTCTGGTGGAAAAGAGTCAAAAGTTTGTG[A>T]TCCTGTGCACATCAGTCTCTCCACTCTCTCAGCTGTAATATCAAGGGGACTAGGAAGTTT-3'
Protein context (NP_078856.4, residues 372-392): ERVERLMCTG[Ser382Thr]QTFDSFPPET